The following is an entry in ClinVar:

NM_000313.4(PROS1):c.1479T>A (p.Phe493Leu)

Gene: PROS1 (protein S; minus strand). Cytogenetic location: 3q11.1.
Variant type: single nucleotide variant.
Coding change: c.1479T>A on transcript NM_000313.4 (MANE Select); coding-DNA position 1479, T replaced by A.
Protein change: p.Phe493Leu; replaces phenylalanine 493 with leucine.
Molecular consequence: missense variant.
Genome position (GRCh38, 1-based): chr3:93,884,741, A>T on the plus strand (T>A on the coding strand, the complement: PROS1 is on the minus strand). VCF-style: chr3-93884741-A-T. GRCh37 (hg19) VCF-style: chr3-93603585-A-T.
Other names: c.1575T>A, p.Phe525Leu (NM_001314077.2); short protein forms F525L, F493L.
Identifiers: ClinVar variation 839380 (VCV000839380.6), dbSNP rs1454230372, ClinGen allele CA353667590.
Genomic context (GRCh38, chr3:93,884,741, plus strand): 5'-AATTTACTCATTAATGAGAAAATAGAGATAAATGGAAAATCACTTACTATAATCTATGTG[A>T]AATTGAGCAATTCCAGAACCAGGATAGTAGGAGCCCTTCTCCACAGTAACCAGGCAATGC-3'
Protein context (NP_000304.2, residues 483-503): SYYPGSGIAQ[Phe493Leu]HIDYNNVSSA

ClinVar aggregate classification (germline): Uncertain significance (1 of 4 stars; one submission).

Conditions:
Thrombophilia due to protein S deficiency, autosomal recessive (THPH6). Identifiers: Orphanet 743, MedGen C3281092, MONDO:0013791, OMIM 614514. Disease mechanism: loss of function.

Allele frequency attached by ClinVar (database versions not stated): gnomAD exomes below 0.00001; TOPMed below 0.00001.
gnomAD v4.1: 2 of 1,613,422 alleles (0.00012%); highest among the groups gnomAD compares: Non-Finnish European, 0.00017%; no homozygotes.

Submission:

Labcorp Genetics (formerly Invitae), Labcorp
Classification: Uncertain significance for Thrombophilia due to protein S deficiency, autosomal recessive. Last evaluated: 2024-11-05. Review status: criteria provided, single submitter. Criteria: Invitae Variant Classification Sherloc (09022015). Collection method: clinical testing. Allele origin: germline.
Comment: This sequence change replaces phenylalanine, which is neutral and non-polar, with leucine, which is neutral and non-polar, at codon 493 of the PROS1 protein (p.Phe493Leu). This variant is present in population databases (no rsID available, gnomAD 0.0009%). This variant has not been reported in the literature in individuals affected with PROS1-related conditions. ClinVar contains an entry for this variant (Variation ID: 839380). Invitae Evidence Modeling of protein sequence and biophysical properties (such as structural, functional, and spatial information, amino acid conservation, physicochemical variation, residue mobility, and thermodynamic stability) indicates that this missense variant is not expected to disrupt PROS1 protein function with a negative predictive value of 80%. In summary, the available evidence is currently insufficient to determine the role of this variant in disease. Therefore, it has been classified as a Variant of Uncertain Significance.